The following is an entry in ClinVar:

ClinVar aggregate classification (germline): Uncertain significance. Review status: criteria provided, multiple submitters, no conflicts (2 of 4 stars). 2 submissions from 2 submitters: Uncertain significance (2). Last evaluated 2025-06-26.

Conditions:
RASopathy. Also called: Noonan spectrum disorder; rasopathies. Identifiers: Orphanet 536391, MedGen C5555857, MONDO:0021060.
Noonan syndrome 7 (NS7). Also called: BRAF-Related Noonan Syndrome. Identifiers: Orphanet 648, MedGen C3150970, MONDO:0013379, OMIM 613706.

Submissions (2):

Laboratory of Dr. Barbara Vona, University Medical Center Göttingen
Classification: Uncertain significance for Noonan syndrome 7. Last evaluated: 2025-06-26. Review status: criteria provided, single submitter. Criteria: ACMG Guidelines, 2015. Collection method: clinical testing. Allele origin: germline. Affected: yes.

Labcorp Genetics (formerly Invitae), Labcorp
Classification: Uncertain significance for RASopathy. Last evaluated: 2022-09-10. Review status: criteria provided, single submitter. Criteria: Invitae Variant Classification Sherloc (09022015). Collection method: clinical testing. Allele origin: germline.
Comment: In summary, the available evidence is currently insufficient to determine the role of this variant in disease. Therefore, it has been classified as a Variant of Uncertain Significance. Advanced modeling of protein sequence and biophysical properties (such as structural, functional, and spatial information, amino acid conservation, physicochemical variation, residue mobility, and thermodynamic stability) performed at Invitae indicates that this missense variant is not expected to disrupt BRAF protein function. This variant has not been reported in the literature in individuals affected with BRAF-related conditions. This variant is present in population databases (no rsID available, gnomAD 0.006%). This sequence change replaces arginine, which is basic and polar, with glutamine, which is neutral and polar, at codon 735 of the BRAF protein (p.Arg735Gln).

NM_004333.6(BRAF):c.2204G>A (p.Arg735Gln)

Gene: BRAF (B-Raf proto-oncogene, serine/threonine kinase; minus strand). Cytogenetic location: 7q34.
Variant type: single nucleotide variant.
Coding change: c.2204G>A on transcript NM_004333.6 (MANE Select); coding-DNA position 2204, G replaced by A.
Protein change: p.Arg735Gln; replaces arginine 735 with glutamine.
Molecular consequence: missense variant. On other transcripts: intron variant (2).
Genome position (GRCh38, 1-based): chr7:140,734,694, C>T on the plus strand (G>A on the coding strand, the complement: BRAF is on the minus strand). VCF-style: chr7-140734694-C-T. GRCh37 (hg19) VCF-style: chr7-140434494-C-T.
Other names: c.2324G>A, p.Arg775Gln (NM_001374244.1, NM_001374258.1); c.2213G>A, p.Arg738Gln (NM_001378467.1); c.2138G>A, p.Arg713Gln (NM_001378469.1); c.2102G>A, p.Arg701Gln (NM_001378470.1); c.2093G>A, p.Arg698Gln (NM_001378471.1); c.2048G>A, p.Arg683Gln (NM_001378473.1, NM_001378472.1); c.1940G>A, p.Arg647Gln (NM_001378475.1); c.2204G>A, p.Arg735Gln (NM_001354609.2); and 1 more; short protein forms R647Q, R683Q, R698Q, R701Q, R713Q, R735Q, R738Q, R775Q.
Identifiers: ClinVar variation 1715724 (VCV001715724.6), dbSNP rs1436193121, ClinGen allele CA369537216.